The following is an entry in ClinVar:

ClinVar aggregate classification (germline): Uncertain significance (1 of 4 stars; one submission).

Conditions:
Werner syndrome (WRN). Identifiers: Orphanet 902, MedGen C0043119, MONDO:0010196, OMIM 277700.

Allele frequency attached by ClinVar (database versions not stated): gnomAD 0.00001; TOPMed 0.00001.
gnomAD v4.1: 1 of 1,613,998 alleles (0.000062%); highest among the groups gnomAD compares: Admixed American, 0.0017%; no homozygotes.

Submission:

Labcorp Genetics (formerly Invitae), Labcorp
Classification: Uncertain significance for Werner syndrome. Last evaluated: 2023-09-23. Review status: criteria provided, single submitter. Criteria: Invitae Variant Classification Sherloc (09022015). Collection method: clinical testing. Allele origin: germline.
Comment: In summary, the available evidence is currently insufficient to determine the role of this variant in disease. Therefore, it has been classified as a Variant of Uncertain Significance. An algorithm developed to predict the effect of missense changes on protein structure and function (PolyPhen-2) suggests that this variant is likely to be disruptive. This variant has not been reported in the literature in individuals affected with WRN-related conditions. This variant is not present in population databases (gnomAD no frequency). This sequence change replaces glutamine, which is neutral and polar, with proline, which is neutral and non-polar, at codon 1165 of the WRN protein (p.Gln1165Pro).

NM_000553.6(WRN):c.3494A>C (p.Gln1165Pro)

Gene: WRN (WRN RecQ like helicase; plus strand). Cytogenetic location: 8p12.
Variant type: single nucleotide variant.
Coding change: c.3494A>C on transcript NM_000553.6 (MANE Select); coding-DNA position 3494, A replaced by C.
Protein change: p.Gln1165Pro; replaces glutamine 1165 with proline.
Molecular consequence: missense variant.
Genome position (GRCh38, 1-based): chr8:31,147,398, A>C. VCF-style: chr8-31147398-A-C. GRCh37 (hg19) VCF-style: chr8-31004914-A-C.
Other names: short protein forms Q1165P.
Identifiers: ClinVar variation 2882907 (VCV002882907.3), dbSNP rs1308927977, ClinGen allele CA370925748.